The following is an entry in ClinVar:

ClinVar aggregate classification (germline): Uncertain significance (1 of 4 stars; one submission).

Submission:

Labcorp Genetics (formerly Invitae), Labcorp
Classification: Uncertain significance. Last evaluated: 2024-06-30. Review status: criteria provided, single submitter. Criteria: Invitae Variant Classification Sherloc (09022015). Collection method: clinical testing. Allele origin: germline.
Comment: This sequence change replaces threonine, which is neutral and polar, with serine, which is neutral and polar, at codon 89 of the LOX protein (p.Thr89Ser). This variant is not present in population databases (gnomAD no frequency). This variant has not been reported in the literature in individuals affected with LOX-related conditions. Advanced modeling of protein sequence and biophysical properties (such as structural, functional, and spatial information, amino acid conservation, physicochemical variation, residue mobility, and thermodynamic stability) performed at Invitae indicates that this missense variant is not expected to disrupt LOX protein function with a negative predictive value of 80%. In summary, the available evidence is currently insufficient to determine the role of this variant in disease. Therefore, it has been classified as a Variant of Uncertain Significance.

NM_002317.7(LOX):c.266C>G (p.Thr89Ser)

Genes: LOX (lysyl oxidase; minus strand), SRFBP1 (serum response factor binding protein 1; plus strand). Cytogenetic location: 5q23.1.
Variant type: single nucleotide variant.
Coding change: c.266C>G on transcript NM_002317.7 (MANE Select); coding-DNA position 266, C replaced by G.
Protein change: p.Thr89Ser; replaces threonine 89 with serine.
Molecular consequence: missense variant.
Genome position (GRCh38, 1-based): chr5:122,077,720, G>C on the plus strand (C>G on the coding strand, the complement: LOX is on the minus strand). VCF-style: chr5-122077720-G-C. GRCh37 (hg19) VCF-style: chr5-121413415-G-C.
Other names: short protein forms T89S.
Identifiers: ClinVar variation 3658361 (VCV003658361.2).
Genomic context (GRCh38, chr5:122,077,720, plus strand): 5'-GAGCCGGCCGTCCGCGTTCGCGCCGCGGCGGTGCGGTTGTCGCGGATCAGCAGGATCGGA[G>C]TGCGGGGCTGCTGGGCGGAGGCGTTGGCTGCACCAGGGACGGCGGCGCCCGGGTCCCGGC-3'
Protein context (NP_002308.2, residues 79-99): AANASAQQPR[Thr89Ser]PILLIRDNRT